The following is an entry in ClinVar:

NM_001283009.2(RTEL1):c.919+3G>A

Genes: RTEL1-TNFRSF6B (RTEL1-TNFRSF6B readthrough (NMD candidate); plus strand), RTEL1 (regulator of telomere elongation helicase 1; plus strand). Cytogenetic location: 20q13.33.
Variant type: single nucleotide variant.
Coding change: c.919+3G>A on transcript NM_001283009.2 (MANE Select); 3 bases into the intron after coding-DNA position 919, G replaced by A.
Molecular consequence: intron variant.
Genome position (GRCh38, 1-based): chr20:63,674,096, G>A. VCF-style: chr20-63674096-G-A. GRCh37 (hg19) VCF-style: chr20-62305449-G-A.
Other names: c.250+3G>A (NM_001283010.1); c.991+3G>A (NM_032957.5); c.919+3G>A (NM_016434.4).
Identifiers: ClinVar variation 3748135 (VCV003748135.2).

ClinVar aggregate classification (germline): Uncertain significance (1 of 4 stars; one submission).

Conditions:
Pulmonary fibrosis and/or bone marrow failure, Telomere-related, 3. Also called: PULMONARY FIBROSIS AND/OR BONE MARROW FAILURE SYNDROME, TELOMERE-RELATED, 3. Identifiers: Orphanet 2032, MedGen C4225346, MONDO:0014613, OMIM 616373.
Dyskeratosis congenita, autosomal recessive 5 (DKCB5). Identifiers: MedGen C3554656, MONDO:0014076, OMIM 615190.

gnomAD v4.1: 4 of 1,607,816 alleles (0.00025%); highest among the groups gnomAD compares: Non-Finnish European, 0.00034%; no homozygotes.

Submission:

Labcorp Genetics (formerly Invitae), Labcorp
Classification: Uncertain significance for Dyskeratosis congenita, autosomal recessive 5; Pulmonary fibrosis and/or bone marrow failure, Telomere-related, 3. Last evaluated: 2024-02-25. Review status: criteria provided, single submitter. Criteria: Invitae Variant Classification Sherloc (09022015). Collection method: clinical testing. Allele origin: germline.
Comment: This sequence change falls in intron 10 of the RTEL1 gene. It does not directly change the encoded amino acid sequence of the RTEL1 protein. It affects a nucleotide within the consensus splice site. This variant is not present in population databases (gnomAD no frequency). This variant has not been reported in the literature in individuals affected with RTEL1-related conditions. Variants that disrupt the consensus splice site are a relatively common cause of aberrant splicing (PMID: 17576681, 9536098). Algorithms developed to predict the effect of sequence changes on RNA splicing suggest that this variant is not likely to affect RNA splicing. In summary, the available evidence is currently insufficient to determine the role of this variant in disease. Therefore, it has been classified as a Variant of Uncertain Significance.

Literature cited by the submitters: PubMed 17576681; PubMed 9536098.